The following is an entry in ClinVar:

NM_002335.4(LRP5):c.1871G>A (p.Arg624Gln)

Gene: LRP5 (LDL receptor related protein 5; plus strand). Cytogenetic location: 11q13.2.
Variant type: single nucleotide variant.
Coding change: c.1871G>A on transcript NM_002335.4 (MANE Select); coding-DNA position 1871, G replaced by A.
Protein change: p.Arg624Gln; replaces arginine 624 with glutamine.
Molecular consequence: missense variant.
Genome position (GRCh38, 1-based): chr11:68,406,593, G>A. VCF-style: chr11-68406593-G-A. GRCh37 (hg19) VCF-style: chr11-68174061-G-A.
Other names: c.128G>A, p.Arg43Gln (NM_001291902.2); short protein forms R43Q, R624Q.
Identifiers: ClinVar variation 3017682 (VCV003017682.3), dbSNP rs748460105, ClinGen allele CA6149478.
Genomic context (GRCh38, chr11:68,406,593, plus strand): 5'-CGTGTGCGGACAGGAACGGGGGGTGCAGCCACCTGTGCTTCTTCACACCCCACGCAACCC[G>A]GTGTGGCTGCCCCATCGGCCTGGAGCTGCTGAGTGACATGAAGACCTGCATCGTGCCTGA-3'
Protein context (NP_002326.2, residues 614-634): HLCFFTPHAT[Arg624Gln]CGCPIGLELL

ClinVar aggregate classification (germline): Uncertain significance (1 of 4 stars; one submission).

Submission:

Labcorp Genetics (formerly Invitae), Labcorp
Classification: Uncertain significance. Last evaluated: 2023-08-10. Review status: criteria provided, single submitter. Criteria: Invitae Variant Classification Sherloc (09022015). Collection method: clinical testing. Allele origin: germline.
Comment: This sequence change replaces arginine, which is basic and polar, with glutamine, which is neutral and polar, at codon 624 of the LRP5 protein (p.Arg624Gln). This variant is present in population databases (rs748460105, gnomAD 0.02%). This variant has not been reported in the literature in individuals affected with LRP5-related conditions. Advanced modeling of protein sequence and biophysical properties (such as structural, functional, and spatial information, amino acid conservation, physicochemical variation, residue mobility, and thermodynamic stability) performed at Invitae indicates that this missense variant is not expected to disrupt LRP5 protein function. In summary, the available evidence is currently insufficient to determine the role of this variant in disease. Therefore, it has been classified as a Variant of Uncertain Significance.